The following is an entry in ClinVar:

ClinVar aggregate classification (germline): Pathogenic. Review status: criteria provided, multiple submitters, no conflicts (2 of 4 stars). 2 submissions from 2 submitters: Pathogenic (2). Last evaluated 2023-11-17.

Conditions:
Hereditary cancer-predisposing syndrome. Also called: Hereditary neoplastic syndrome; Tumor predisposition; Neoplastic Syndromes, Hereditary; Hereditary Cancer Syndrome. Identifiers: Orphanet 140162, MedGen C0027672, MeSH D009386, MONDO:0015356.
Gorlin syndrome. Also called: Nevoid Basal Cell Carcinoma Syndrome; Basal cell nevus syndrome. Identifiers: Orphanet 377, MedGen C0004779, MONDO:0007187.
Medulloblastoma (MDB). Also called: MEDULLOBLASTOMA PREDISPOSITION SYNDROME; Medulloblastoma, somatic. Identifiers: Orphanet 616, MedGen C0025149, MeSH D008527, MONDO:0007959, OMIM 155255, HP:0002885.

Submissions (2):

Labcorp Genetics (formerly Invitae), Labcorp
Classification: Pathogenic for Gorlin syndrome; Medulloblastoma. Last evaluated: 2023-11-17. Review status: criteria provided, single submitter. Criteria: Invitae Variant Classification Sherloc (09022015). Collection method: clinical testing. Allele origin: germline.
Comment: This sequence change creates a premature translational stop signal (p.Leu300Argfs*28) in the SUFU gene. It is expected to result in an absent or disrupted protein product. Loss-of-function variants in SUFU are known to be pathogenic (PMID: 22508808, 25403219, 33024317). This variant is not present in population databases (gnomAD no frequency). This variant has not been reported in the literature in individuals affected with SUFU-related conditions. ClinVar contains an entry for this variant (Variation ID: 2452610). For these reasons, this variant has been classified as Pathogenic.

Ambry Genetics
Classification: Pathogenic for Hereditary cancer-predisposing syndrome. Last evaluated: 2023-01-27. Review status: criteria provided, single submitter. Criteria: Ambry Variant Classification Scheme 2023. Collection method: clinical testing. Allele origin: germline.
Comment: The c.897_898ins44 variant, located in coding exon 7 of the SUFU gene, results from an insertion of 44 nucleotides at position 897, causing a translational frameshift with a predicted alternate stop codon (p.L300Rfs*28). This alteration is expected to result in loss of function by premature protein truncation or nonsense-mediated mRNA decay. As such, this alteration is interpreted as a disease-causing mutation.

Literature cited by the submitters: PubMed 22508808 (cited by Labcorp Genetics (formerly Invitae), Labcorp); PubMed 25403219 (cited by Labcorp Genetics (formerly Invitae), Labcorp); PubMed 33024317 (cited by Labcorp Genetics (formerly Invitae), Labcorp).

NM_016169.4(SUFU):c.897_898insAGGTGCCGGGCACACAGCCCCGGCGAAGAGTGTGCATCGGCACA (p.Leu300fs)

Gene: SUFU (SUFU negative regulator of hedgehog signaling; plus strand). Cytogenetic location: 10q24.32.
Variant type: Insertion.
Coding change: c.897_898insAGGTGCCGGGCACACAGCCCCGGCGAAGAGTGTGCATCGGCACA on transcript NM_016169.4 (MANE Select); coding-DNA positions 897 to 898, AGGTGCCGGGCACACAGCCCCGGCGAAGAGTGTGCATCGGCACA inserted.
Protein change: p.Leu300fs; shifts the reading frame from leucine 300.
Molecular consequence: frameshift variant.
Genome position: GRCh38: chr10:102,597,280-102,597,281. GRCh37 (hg19): chr10:104,357,037-104,357,038.
Other names: c.897_898insAGGTGCCGGGCACACAGCCCCGGCGAAGAGTGTGCATCGGCACA, p.Leu300fs (NM_001178133.2); short protein forms L300fs.
Identifiers: ClinVar variation 2452610 (VCV002452610.5), dbSNP rs2545095273, ClinGen allele CA2580081198.
Genomic context (GRCh38, chr10:102,597,279, plus strand): 5'-GCCGGCCCCCCGAGGATGACGAGGACAGCCGGAGCATCTGCATCGGCACACAGCCCCGGC[G>GAAGGTGCCGGGCACACAGCCCCGGCGAAGAGTGTGCATCGGCAC]ACTCTCTGGCAAAGGTGGGAGCCATCACTCAGCATTCCACCAGCCTTCCTCCTTCCTTTT-3'